The following is an entry in ClinVar:

NM_201384.3(PLEC):c.9351C>G (p.Phe3117Leu)

Gene: PLEC (plectin; minus strand). Cytogenetic location: 8q24.3.
Variant type: single nucleotide variant.
Coding change: c.9351C>G on transcript NM_201384.3 (MANE Select); coding-DNA position 9351, C replaced by G.
Protein change: p.Phe3117Leu; replaces phenylalanine 3117 with leucine.
Molecular consequence: missense variant.
Genome position (GRCh38, 1-based): chr8:143,920,470, G>C on the plus strand (C>G on the coding strand, the complement: PLEC is on the minus strand). VCF-style: chr8-143920470-G-C. GRCh37 (hg19) VCF-style: chr8-144994638-G-C.
Other names: c.9432C>G, p.Phe3144Leu (NM_000445.5); c.9309C>G, p.Phe3103Leu (NM_201378.4); c.9285C>G, p.Phe3095Leu (NM_201379.3); c.9762C>G, p.Phe3254Leu (NM_201380.4); c.9255C>G, p.Phe3085Leu (NM_201381.3); c.9351C>G, p.Phe3117Leu (NM_201382.4); c.9363C>G, p.Phe3121Leu (NM_201383.3); short protein forms F3117L, F3254L, F3144L, F3085L, F3095L, F3103L, F3121L.
Identifiers: ClinVar variation 1403299 (VCV001403299.8), dbSNP rs200895343, ClinGen allele CA372510380.

ClinVar aggregate classification (germline): Uncertain significance (1 of 4 stars; one submission).

Conditions:
Epidermolysis bullosa simplex 5C, with pyloric atresia (EBS5C). Also called: Epidermolysis bullosa simplex with pyloric atresia; PLEC-Related Epidermolysis Bullosa with Pyloric Atresia; PLEC1-Related Epidermolysis Bullosa with Pyloric Atresia. Identifiers: Orphanet 158684, MedGen C2677349, MONDO:0012807, OMIM 612138.
Epidermolysis bullosa simplex with nail dystrophy (EBS5D). Identifiers: MedGen C4225309, MONDO:0014661, OMIM 616487.
Epidermolysis bullosa simplex 5B, with muscular dystrophy (EBS5B). Also called: Epidermolysis bullosa simplex with muscular dystrophy; EPIDERMOLYSIS BULLOSA SIMPLEX AND LIMB-GIRDLE MUSCULAR DYSTROPHY. Identifiers: Orphanet 257, MedGen C2931072, MONDO:0009181, OMIM 226670.
Autosomal recessive limb-girdle muscular dystrophy type 2Q (LGMDR17). Also called: MUSCULAR DYSTROPHY, LIMB-GIRDLE, AUTOSOMAL RECESSIVE 17. Identifiers: Orphanet 254361, MedGen C3150989, MONDO:0013390, OMIM 613723.
Epidermolysis bullosa simplex, Ogna type (EBS5A). Also called: Pidermolysis bullosa simplex 5A, Ogna type; EPIDERMOLYSIS BULLOSA SIMPLEX 5A, OGNA TYPE. Identifiers: Orphanet 79401, MedGen C0432317, MONDO:0007555, OMIM 131950.

Submission:

Labcorp Genetics (formerly Invitae), Labcorp
Classification: Uncertain significance for Autosomal recessive limb-girdle muscular dystrophy type 2Q; Epidermolysis bullosa simplex, Ogna type; Epidermolysis bullosa simplex with nail dystrophy; Epidermolysis bullosa simplex 5C, with pyloric atresia; Epidermolysis bullosa simplex 5B, with muscular dystrophy. Last evaluated: 2021-02-02. Review status: criteria provided, single submitter. Criteria: Invitae Variant Classification Sherloc (09022015). Collection method: clinical testing. Allele origin: germline.
Comment: This variant is not present in population databases (ExAC no frequency). In summary, the available evidence is currently insufficient to determine the role of this variant in disease. Therefore, it has been classified as a Variant of Uncertain Significance. Algorithms developed to predict the effect of missense changes on protein structure and function are either unavailable or do not agree on the potential impact of this missense change (SIFT: "Deleterious"; PolyPhen-2: "Probably Damaging"; Align-GVGD: "Class C0"). This variant has not been reported in the literature in individuals with PLEC-related conditions. This sequence change replaces phenylalanine with leucine at codon 3144 of the PLEC protein (p.Phe3144Leu). The phenylalanine residue is highly conserved and there is a small physicochemical difference between phenylalanine and leucine.